The following is an entry in ClinVar:

ClinVar aggregate classification (germline): Uncertain significance (1 of 4 stars; one submission).

Submission:

Labcorp Genetics (formerly Invitae), Labcorp
Classification: Uncertain significance. Last evaluated: 2024-08-21. Review status: criteria provided, single submitter. Criteria: Invitae Variant Classification Sherloc (09022015). Collection method: clinical testing. Allele origin: germline.
Comment: This sequence change affects codon 272 of the ERCC2 mRNA. It is a 'silent' change, meaning that it does not change the encoded amino acid sequence of the ERCC2 protein. It affects a nucleotide within the consensus splice site. This variant is not present in population databases (gnomAD no frequency). This variant has not been reported in the literature in individuals affected with ERCC2-related conditions. Algorithms developed to predict the effect of sequence changes on RNA splicing suggest that this variant is not likely to affect RNA splicing. In summary, the available evidence is currently insufficient to determine the role of this variant in disease. Therefore, it has been classified as a Variant of Uncertain Significance.

NM_000400.4(ERCC2):c.816G>A (p.Arg272=)

Gene: ERCC2 (ERCC excision repair 2, TFIIH core complex helicase subunit; minus strand). Cytogenetic location: 19q13.32.
Variant type: single nucleotide variant.
Coding change: c.816G>A on transcript NM_000400.4 (MANE Select); coding-DNA position 816, G replaced by A.
Protein change: p.Arg272=; no amino-acid change (arginine 272 retained).
Molecular consequence: synonymous variant.
Genome position (GRCh38, 1-based): chr19:45,364,119, C>T on the plus strand (G>A on the coding strand, the complement: ERCC2 is on the minus strand). VCF-style: chr19-45364119-C-T. GRCh37 (hg19) VCF-style: chr19-45867377-C-T.
Other names: c.744G>A, p.Arg248= (NM_001130867.2).
Identifiers: ClinVar variation 3663119 (VCV003663119.2).